The following is an entry in ClinVar:

NM_002473.6(MYH9):c.2708G>A (p.Arg903Gln)

Genes: MYH9 (myosin heavy chain 9; minus strand), LOC126863137 (CDK7 strongly-dependent group 2 enhancer GRCh37_chr22:36696002-36697201; plus strand). Cytogenetic location: 22q12.3.
Variant type: single nucleotide variant.
Coding change: c.2708G>A on transcript NM_002473.6 (MANE Select); coding-DNA position 2708, G replaced by A.
Protein change: p.Arg903Gln; replaces arginine 903 with glutamine.
Molecular consequence: missense variant.
Genome position (GRCh38, 1-based): chr22:36,300,981, C>T on the plus strand (G>A on the coding strand, the complement: MYH9 is on the minus strand). VCF-style: chr22-36300981-C-T. GRCh37 (hg19) VCF-style: chr22-36697027-C-T.
Other names: short protein forms R903Q.
Identifiers: ClinVar variation 4764223 (VCV004764223.1).

ClinVar aggregate classification (germline): Uncertain significance (1 of 4 stars; one submission).

gnomAD v4.1: 7 of 1,611,872 alleles (0.00043%); highest among the groups gnomAD compares: Middle Eastern, 0.016%; no homozygotes.

Submission:

Labcorp Genetics (formerly Invitae), Labcorp
Classification: Uncertain significance. Last evaluated: 2025-06-10. Review status: criteria provided, single submitter. Criteria: Invitae Variant Classification Sherloc (09022015). Collection method: clinical testing. Allele origin: germline.
Comment: This sequence change replaces arginine, which is basic and polar, with glutamine, which is neutral and polar, at codon 903 of the MYH9 protein (p.Arg903Gln). This variant is present in population databases (no rsID available, gnomAD 0.0009%). This variant has not been reported in the literature in individuals affected with MYH9-related conditions. Invitae Evidence Modeling of protein sequence and biophysical properties (such as structural, functional, and spatial information, amino acid conservation, physicochemical variation, residue mobility, and thermodynamic stability) has been performed for this missense variant. However, the output from this modeling did not meet the statistical confidence thresholds required to predict the impact of this variant on MYH9 protein function. In summary, the available evidence is currently insufficient to determine the role of this variant in disease. Therefore, it has been classified as a Variant of Uncertain Significance.